The following is an entry in ClinVar:

NM_032271.3(TRAF7):c.1570C>A (p.Arg524=)

Gene: TRAF7 (TNF receptor associated factor 7; plus strand). Cytogenetic location: 16p13.3.
Variant type: single nucleotide variant.
Coding change: c.1570C>A on transcript NM_032271.3 (MANE Select); coding-DNA position 1570, C replaced by A.
Protein change: p.Arg524=; no amino-acid change (arginine 524 retained).
Molecular consequence: synonymous variant.
Genome position (GRCh38, 1-based): chr16:2,175,566, C>A. VCF-style: chr16-2175566-C-A. GRCh37 (hg19) VCF-style: chr16-2225567-C-A.
Identifiers: ClinVar variation 4888216 (VCV004888216.1).

ClinVar aggregate classification (germline): Uncertain significance (1 of 4 stars; one submission).

Submission:

GeneDx
Classification: Uncertain significance. Last evaluated: 2026-02-05. Review status: criteria provided, single submitter. Criteria: GeneDx Variant Classification Process June 2021. Collection method: clinical testing. Allele origin: germline.
Comment: Not observed at significant frequency in large population cohorts (gnomAD); Has not been previously published as pathogenic or benign to our knowledge; In silico analysis suggests this variant may impact gene splicing. In the absence of RNA/functional studies, the actual effect of this sequence change is unknown.